The following is an entry in ClinVar:

NM_014956.5(CEP164):c.2651T>G (p.Leu884Arg)

Gene: CEP164 (centrosomal protein 164; plus strand). Cytogenetic location: 11q23.3.
Variant type: single nucleotide variant.
Coding change: c.2651T>G on transcript NM_014956.5 (MANE Select); coding-DNA position 2651, T replaced by G.
Protein change: p.Leu884Arg; replaces leucine 884 with arginine.
Molecular consequence: missense variant.
Genome position (GRCh38, 1-based): chr11:117,394,384, T>G. VCF-style: chr11-117394384-T-G. GRCh37 (hg19) VCF-style: chr11-117265100-T-G.
Other names: c.2660T>G, p.Leu887Arg (NM_001271933.2); short protein forms L884R, L887R.
Identifiers: ClinVar variation 1903644 (VCV001903644.5), dbSNP rs1444453508, ClinGen allele CA382727941.
Genomic context (GRCh38, chr11:117,394,384, plus strand): 5'-CACCGGTGGGCCCACCCTCCTTGCAGGAGAGGAAGCAGCGGGCTGAGCTTCTGGGGCACC[T>G]GACCGGAGAGCTGGAGCGCCTGCAGAGGGCCCATGAACGAGAACTGGAGACTGTGAGGCA-3'
Protein context (NP_055771.4, residues 874-894): RKQRAELLGH[Leu884Arg]TGELERLQRA

ClinVar aggregate classification (germline): Uncertain significance (1 of 4 stars; one submission).

Conditions:
Nephronophthisis 15 (NPHP15). Identifiers: Orphanet 3156, MedGen C3541853, MONDO:0013917, OMIM 614845.

Allele frequency attached by ClinVar (database versions not stated): gnomAD exomes below 0.00001.
gnomAD v4.1: 5 of 1,609,930 alleles (0.00031%); highest among the groups gnomAD compares: African/African-American, 0.0013%; no homozygotes.

Submission:

Labcorp Genetics (formerly Invitae), Labcorp
Classification: Uncertain significance for Nephronophthisis 15. Last evaluated: 2023-07-17. Review status: criteria provided, single submitter. Criteria: Invitae Variant Classification Sherloc (09022015). Collection method: clinical testing. Allele origin: germline.
Comment: This sequence change replaces leucine, which is neutral and non-polar, with arginine, which is basic and polar, at codon 884 of the CEP164 protein (p.Leu884Arg). This variant is not present in population databases (gnomAD no frequency). This variant has not been reported in the literature in individuals affected with CEP164-related conditions. ClinVar contains an entry for this variant (Variation ID: 1903644). Advanced modeling of protein sequence and biophysical properties (such as structural, functional, and spatial information, amino acid conservation, physicochemical variation, residue mobility, and thermodynamic stability) performed at Invitae indicates that this missense variant is expected to disrupt CEP164 protein function. In summary, the available evidence is currently insufficient to determine the role of this variant in disease. Therefore, it has been classified as a Variant of Uncertain Significance.